The following is an entry in ClinVar:

ClinVar aggregate classification (germline): Uncertain significance (1 of 4 stars; one submission).

Submission:

GeneDx
Classification: Uncertain significance. Last evaluated: 2023-06-23. Review status: criteria provided, single submitter. Criteria: GeneDx Variant Classification Process June 2021. Collection method: clinical testing. Allele origin: germline. Affected: yes.
Comment: Not observed at significant frequency in large population cohorts (gnomAD); In silico analysis supports that this missense variant has a deleterious effect on protein structure/function; Has not been previously published as pathogenic or benign to our knowledge

NM_020791.4(TAOK1):c.197C>T (p.Ser66Phe)

Gene: TAOK1 (TAO kinase 1; plus strand). Cytogenetic location: 17q11.2.
Variant type: single nucleotide variant.
Coding change: c.197C>T on transcript NM_020791.4 (MANE Select); coding-DNA position 197, C replaced by T.
Protein change: p.Ser66Phe; replaces serine 66 with phenylalanine.
Molecular consequence: missense variant.
Genome position (GRCh38, 1-based): chr17:29,467,209, C>T. VCF-style: chr17-29467209-C-T. GRCh37 (hg19) VCF-style: chr17-27794227-C-T.
Other names: c.197C>T, p.Ser66Phe (NM_025142.1); short protein forms S66F.
Identifiers: ClinVar variation 3360216 (VCV003360216.1).